The following is an entry in ClinVar:

ClinVar aggregate classification (germline): Likely benign. Review status: criteria provided, multiple submitters, no conflicts (2 of 4 stars). 3 submissions from 3 submitters: Likely benign (3). Last evaluated 2025-08-22.

Conditions:
TRIOBP-related disorder. Also called: TRIOBP-related condition.

Allele frequency attached by ClinVar (database versions not stated): gnomAD 0.00007; ESP Exome Variant Server 0.00008; TOPMed 0.00014; ExAC 0.00019; gnomAD exomes 0.00024.

Submissions (3):

Labcorp Genetics (formerly Invitae), Labcorp
Classification: Likely benign. Last evaluated: 2025-08-22. Review status: criteria provided, single submitter. Criteria: Invitae Variant Classification Sherloc (09022015). Collection method: clinical testing. Allele origin: germline.

PreventionGenetics, part of Exact Sciences
Classification: Likely benign for TRIOBP-related condition. Last evaluated: 2024-11-05. Review status: criteria provided, single submitter. Criteria: ACMG Guidelines, 2015. Collection method: clinical testing. Allele origin: germline.
Comment: This variant is classified as likely benign based on ACMG/AMP sequence variant interpretation guidelines (Richards et al. 2015 PMID: 25741868, with internal and published modifications).

GeneDx
Classification: Likely benign. Last evaluated: 2021-05-18. Review status: criteria provided, single submitter. Criteria: GeneDx Variant Classification Process June 2021. Collection method: clinical testing. Allele origin: germline. Affected: yes.

NM_001039141.3(TRIOBP):c.633C>T (p.Thr211=)

Gene: TRIOBP (TRIO and F-actin binding protein; plus strand). Cytogenetic location: 22q13.1.
Variant type: single nucleotide variant.
Coding change: c.633C>T on transcript NM_001039141.3 (MANE Select); coding-DNA position 633, C replaced by T.
Protein change: p.Thr211=; no amino-acid change (threonine 211 retained).
Molecular consequence: synonymous variant.
Genome position (GRCh38, 1-based): chr22:37,723,189, C>T. VCF-style: chr22-37723189-C-T. GRCh37 (hg19) VCF-style: chr22-38119196-C-T.
Identifiers: ClinVar variation 1192903 (VCV001192903.11), dbSNP rs372631964, ClinGen allele CA10223411.